The following is an entry in ClinVar:

NM_001378452.1(ITPR1):c.3976G>T (p.Val1326Phe)

Gene: ITPR1 (inositol 1,4,5-trisphosphate receptor type 1; plus strand). Cytogenetic location: 3p26.1.
Variant type: single nucleotide variant.
Coding change: c.3976G>T on transcript NM_001378452.1 (MANE Select); coding-DNA position 3976, G replaced by T.
Protein change: p.Val1326Phe; replaces valine 1326 with phenylalanine.
Molecular consequence: missense variant.
Genome position (GRCh38, 1-based): chr3:4,691,291, G>T. VCF-style: chr3-4691291-G-T. GRCh37 (hg19) VCF-style: chr3-4732975-G-T.
Other names: c.3949G>T, p.Val1317Phe (NM_001099952.4); c.3931G>T, p.Val1311Phe (NM_001168272.2); c.3904G>T, p.Val1302Phe (NM_002222.7); short protein forms V1302F, V1311F, V1317F, V1326F.
Identifiers: ClinVar variation 5022850 (VCV005022850.1).

ClinVar aggregate classification (germline): Uncertain significance (1 of 4 stars; one submission).

Conditions:
Inborn genetic diseases. Identifiers: MedGen C0950123, MeSH D030342.

gnomAD v4.1: 1 of 1,613,558 alleles (0.000062%); highest among the groups gnomAD compares: Admixed American, 0.0017%; no homozygotes.

Submission:

Ambry Genetics
Classification: Uncertain significance for Inborn genetic diseases. Last evaluated: 2026-06-23. Review status: criteria provided, single submitter. Criteria: Ambry Variant Classification Scheme 2023. Collection method: clinical testing. Allele origin: germline.
Comment: The c.3904G>T (p.V1302F) alteration is located in exon 31 (coding exon 29) of the ITPR1 gene. This alteration results from a G to T substitution at nucleotide position 3904, causing the valine (V) at amino acid position 1302 to be replaced by a phenylalanine (F). Based on data from gnomAD, the T allele has an overall frequency of <0.001% (1/248650) total alleles studied. The highest observed frequency was 0.003% (1/34458) of Latino alleles. Based on insufficient or conflicting evidence, the clinical significance of this alteration remains unclear.